The following is an entry in ClinVar:

NM_000535.7(PMS2):c.239_242dup (p.Glu81fs)

Gene: PMS2 (PMS1 homolog 2, mismatch repair system component; minus strand). Cytogenetic location: 7p22.1.
Variant type: Duplication.
Coding change: c.239_242dup on transcript NM_000535.7 (MANE Select); coding-DNA positions 239 to 242, 4 bases duplicated (TCGA; older notation c.239_242dupTCGA).
Protein change: p.Glu81fs; shifts the reading frame from glutamic acid 81.
Molecular consequence: frameshift variant. On other transcripts: 5 prime UTR variant (9), non-coding transcript variant (1).
Genome position (GRCh38, 1-based): chr7:6,003,980-6,003,983, TCGA duplicated on the plus strand (TCGA on the coding strand, the reverse complement: PMS2 is on the minus strand). VCF-style (leftmost placement, unchanged base first): chr7-6003979-T-TTCGA. GRCh37 (hg19) VCF-style: chr7-6043610-T-TTCGA.
Other names: c.-167_-164dup (NM_001322003.2, NM_001322004.2, NM_001322005.2 and 3 more transcripts); c.239_242dup, p.Glu81fs (NM_001322006.2, NM_001322014.2); c.24_27dup, p.Arg10fs (NM_001322007.2, NM_001322008.2); c.-646_-643dup (NM_001322011.2, NM_001322012.2); c.-246_-243dup (NM_001322015.2); short protein forms E81fs, R10fs.
Identifiers: ClinVar variation 1437008 (VCV001437008.6), dbSNP rs2128829368, ClinGen allele CA2573141984.

ClinVar aggregate classification (germline): Pathogenic (1 of 4 stars; one submission).

Conditions:
Hereditary nonpolyposis colorectal neoplasms. Identifiers: MedGen C0009405, MeSH D003123.

Submission:

Labcorp Genetics (formerly Invitae), Labcorp
Classification: Pathogenic for Hereditary nonpolyposis colorectal neoplasms. Last evaluated: 2021-11-04. Review status: criteria provided, single submitter. Criteria: Invitae Variant Classification Sherloc (09022015). Collection method: clinical testing. Allele origin: germline.
Comment: For these reasons, this variant has been classified as Pathogenic. This variant has not been reported in the literature in individuals affected with PMS2-related conditions. This variant is not present in population databases (gnomAD no frequency). This sequence change creates a premature translational stop signal (p.Glu81Aspfs*12) in the PMS2 gene. It is expected to result in an absent or disrupted protein product. Loss-of-function variants in PMS2 are known to be pathogenic (PMID: 21376568, 24362816).

Literature cited by the submitters: PubMed 21376568; PubMed 24362816.